The following is an entry in ClinVar:

NM_006236.3(POU3F3):c.1088T>C (p.Phe363Ser)

Gene: POU3F3 (POU class 3 homeobox 3; plus strand). Cytogenetic location: 2q12.1.
Variant type: single nucleotide variant.
Coding change: c.1088T>C on transcript NM_006236.3 (MANE Select); coding-DNA position 1088, T replaced by C.
Protein change: p.Phe363Ser; replaces phenylalanine 363 with serine.
Molecular consequence: missense variant.
Genome position (GRCh38, 1-based): chr2:104,856,598, T>C. VCF-style: chr2-104856598-T-C. GRCh37 (hg19) VCF-style: chr2-105473056-T-C.
Other names: c.1088T>C, p.Phe363Ser (NM_001433704.1); short protein forms F363S.
Identifiers: ClinVar variation 4890760 (VCV004890760.1).

ClinVar aggregate classification (germline): Uncertain significance (1 of 4 stars; one submission).

Conditions:
Snijders blok-fisher syndrome. Identifiers: Orphanet 656135, MedGen C5231424, MONDO:0032830, OMIM 618604.

Submission:

Institute of Human Genetics, University of Leipzig Medical Center
Classification: Uncertain significance for Snijders blok-fisher syndrome. Last evaluated: 2026-08-17. Review status: criteria provided, single submitter. Criteria: ACMG Guidelines, 2015. Collection method: clinical testing. Allele origin: unknown. Inheritance: Autosomal dominant inheritance. Affected: yes.
Comment: Criteria applied: PM2,PM1_SUP,PP2,PP3